The following is an entry in ClinVar:

NM_005445.4(SMC3):c.3038_3039inv (p.Ser1013Leu)

Gene: SMC3 (structural maintenance of chromosomes 3; plus strand). Cytogenetic location: 10q25.2.
Variant type: Inversion.
Coding change: c.3038_3039inv on transcript NM_005445.4 (MANE Select).
Protein change: p.Ser1013Leu; replaces serine 1013 with leucine.
Molecular consequence: missense variant.
Genome position: GRCh38 VCF-style: chr10-110602111-CA-TG. GRCh37 (hg19) VCF-style: chr10-112361869-CA-TG.
Other names: c.3038_3039delinsTG (NM_005445.3); short protein forms S1013L.
Identifiers: ClinVar variation 3764137 (VCV003764137.1).

ClinVar aggregate classification (germline): Uncertain significance (1 of 4 stars; one submission).

Submission:

GeneDx
Classification: Uncertain significance. Last evaluated: 2024-08-23. Review status: criteria provided, single submitter. Criteria: GeneDx Variant Classification Process June 2021. Collection method: clinical testing. Allele origin: germline. Affected: yes.
Comment: Not observed at significant frequency in large population cohorts (gnomAD); In silico analysis supports a deleterious effect on protein structure/function; Has not been previously published as pathogenic or benign to our knowledge